The following is an entry in ClinVar:

ClinVar aggregate classification (germline): Uncertain significance (1 of 4 stars; one submission).

Conditions:
Hereditary cancer-predisposing syndrome. Also called: Neoplastic Syndromes, Hereditary; Tumor predisposition; Hereditary Cancer Syndrome; Hereditary neoplastic syndrome. Identifiers: Orphanet 140162, MedGen C0027672, MeSH D009386, MONDO:0015356.

Submission:

Ambry Genetics
Classification: Uncertain significance for Hereditary cancer-predisposing syndrome. Last evaluated: 2020-10-23. Review status: criteria provided, single submitter. Criteria: Ambry Variant Classification Scheme 2023. Collection method: clinical testing. Allele origin: germline.
Comment: The c.17_18delAT variant, located in coding exon 1 of the CDK4 gene, results from a deletion of two nucleotides at nucleotide positions 17 to 18, causing a translational frameshift with a predicted alternate stop codon (p.Y6*). This alteration is expected to result in premature protein truncation or nonsense-mediated mRNA decay. However, loss of function of CDK4 has not been clearly established as a mechanism of disease. Since supporting evidence is limited at this time, the clinical significance of this alteration remains unclear.

NM_000075.4(CDK4):c.17_18del (p.Arg5_Tyr6insTer)

Gene: CDK4 (cyclin dependent kinase 4; minus strand). Cytogenetic location: 12q14.1.
Variant type: Microsatellite.
Coding change: c.17_18del on transcript NM_000075.4 (MANE Select); coding-DNA positions 17 to 18, 2 bases deleted (AT; older notation c.17_18delAT).
Protein change: p.Arg5_Tyr6insTer.
Molecular consequence: nonsense.
Genome position (GRCh38, 1-based): chr12:57,751,700-57,751,701, AT deleted on the plus strand (AT on the coding strand, the reverse complement: CDK4 is on the minus strand); deleting any 2 consecutive bases within chr12:57,751,700-57,751,703 gives the same sequence; the c. name uses the placement nearest the transcript's 3' end. VCF-style (leftmost placement, unchanged base first): chr12-57751699-CAT-C. GRCh37 (hg19) VCF-style: chr12-58145482-CAT-C.
Identifiers: ClinVar variation 1778336 (VCV001778336.2), dbSNP rs2540904320, ClinGen allele CA2580616828.